The following is an entry in ClinVar:

NM_000179.3(MSH6):c.2857G>A (p.Glu953Lys)

Gene: MSH6 (mutS homolog 6; plus strand). Cytogenetic location: 2p16.3.
Variant type: single nucleotide variant.
Coding change: c.2857G>A on transcript NM_000179.3 (MANE Select); coding-DNA position 2857, G replaced by A.
Protein change: p.Glu953Lys; replaces glutamic acid 953 with lysine.
Molecular consequence: missense variant.
Genome position (GRCh38, 1-based): chr2:47,800,840, G>A. VCF-style: chr2-47800840-G-A. GRCh37 (hg19) VCF-style: chr2-48027979-G-A.
Other names: c.2467G>A, p.Glu823Lys (NM_001281492.2); c.1951G>A, p.Glu651Lys (NM_001281493.2, NM_001281494.2); short protein forms E953K, E651K, E823K.
Identifiers: ClinVar variation 229879 (VCV000229879.35), dbSNP rs753034685, ClinGen allele CA069715.
Genomic context (GRCh38, chr2:47,800,840, plus strand): 5'-TTTGACTCTGATTATGACCAAGCTCTTGCTGACATAAGAGAAAATGAACAGAGCCTCCTG[G>A]AATACCTAGAGAAACAGCGCAACAGAATTGGCTGTAGGACCATAGTCTATTGGGGGATTG-3'
Protein context (NP_000170.1, residues 943-963): DIRENEQSLL[Glu953Lys]YLEKQRNRIG

ClinVar aggregate classification (germline): Conflicting classifications of pathogenicity. Review status: criteria provided, conflicting classifications (1 of 4 stars). 10 submissions from 10 submitters: Uncertain significance (6); Likely benign (3). 1 of the submissions does not count toward it. Last evaluated 2025-12-29.

Conditions:
Hereditary nonpolyposis colorectal neoplasms. Identifiers: MedGen C0009405, MeSH D003123.
Hereditary cancer-predisposing syndrome. Also called: Hereditary neoplastic syndrome; Hereditary Cancer Syndrome; Neoplastic Syndromes, Hereditary; Tumor predisposition. Identifiers: Orphanet 140162, MedGen C0027672, MeSH D009386, MONDO:0015356.
Lynch syndrome. Identifiers: Orphanet 144, MedGen C4552100, MONDO:0005835. Disease mechanism: loss of function.
Endometrial carcinoma. Also called: Endometrial carcinoma, somatic. Identifiers: MedGen C0476089, MONDO:0002447, OMIM 608089, HP:0012114.
Lynch syndrome 5 (LYNCH5). Also called: Colorectal cancer, hereditary nonpolyposis, type 5; Hereditary non-polyposis colorectal cancer, type 5. Identifiers: Orphanet 144, MedGen C1833477, MONDO:0013710, OMIM 614350. Disease mechanism: loss of function.
Malignant tumor of breast. Also called: Malignant breast neoplasm; Cancer breast. Identifiers: MedGen C0006142, MONDO:0007254. Disease mechanism: loss of function.

Allele frequency attached by ClinVar (database versions not stated): TOPMed 0.00001; ExAC 0.00002; gnomAD exomes 0.00002.
gnomAD v4.1: 3 of 1,614,070 alleles (0.00019%); no homozygotes.

Submissions (10):

Labcorp Genetics (formerly Invitae), Labcorp
Classification: Likely benign for Hereditary nonpolyposis colorectal neoplasms. Last evaluated: 2025-12-29. Review status: criteria provided, single submitter. Criteria: Invitae Variant Classification Sherloc (09022015). Collection method: clinical testing. Allele origin: germline.

Color Diagnostics, LLC DBA Color Health
Classification: Uncertain significance for Hereditary cancer-predisposing syndrome. Last evaluated: 2025-10-07. Review status: criteria provided, single submitter. Criteria: ACMG Guidelines, 2015. Collection method: clinical testing. Allele origin: germline.
Comment: This missense variant replaces glutamic acid with lysine at codon 953 of the MSH6 protein. Computational prediction suggests that this variant may not impact protein structure and function. To our knowledge, functional studies have not been reported for this variant. This variant has not been reported in individuals affected with MSH6-related disorders in the literature. This variant has been identified in 3/1461788 chromosomes in the general population by the Genome Aggregation Database (gnomAD). The available evidence is insufficient to determine the role of this variant in disease conclusively. Therefore, this variant is classified as a Variant of Uncertain Significance.

Quest Diagnostics Nichols Institute San Juan Capistrano
Classification: Uncertain significance. Last evaluated: 2025-04-24. Review status: criteria provided, single submitter. Criteria: Quest Diagnostics criteria. Collection method: clinical testing. Allele origin: unknown.
Comment: The MSH6 c.2857G>A (p.Glu953Lys) variant has been reported in the published literature in individuals with breast cancer in a breast cancer association study (PMID: 33471991 (2021), see also LOVD). The frequency of this variant in the general population (Genome Aggregation Database) is uninformative in the assessment of its pathogenicity. Analysis of this variant using bioinformatics tools for the prediction of the effect of amino acid changes on protein structure and function yielded predictions that this variant is benign. Based on the available information, we are unable to determine the clinical significance of this variant.

GeneDx
Classification: Uncertain significance. Last evaluated: 2024-02-02. Review status: criteria provided, single submitter. Criteria: GeneDx Variant Classification Process June 2021. Collection method: clinical testing. Allele origin: germline. Affected: yes.
Comment: Not observed at significant frequency in large population cohorts (gnomAD); In silico analysis supports that this missense variant does not alter protein structure/function; Observed in an individual with breast cancer (PMID: 33471991); This variant is associated with the following publications: (PMID: 17531815, 21120944, 33471991)

Myriad Genetics, Inc.
Classification: Likely benign for Lynch syndrome 5. Last evaluated: 2023-08-17. Review status: criteria provided, single submitter. Criteria: Myriad Autosomal Dominant, Autosomal Recessive and X-Linked Classification Criteria (2023). Collection method: clinical testing. Allele origin: unknown.
Comment: This variant is considered likely benign. This variant is strongly associated with less severe personal and family histories of cancer, typical for individuals without pathogenic variants in this gene [PMID: 27363726].

All of Us Research Program, National Institutes of Health
Classification: Uncertain significance for Lynch syndrome. Last evaluated: 2023-06-26. Review status: criteria provided, single submitter. Criteria: ACMG Guidelines, 2015. Collection method: clinical testing. Allele origin: germline. Inheritance: Autosomal dominant inheritance. Observed: 3 variant alleles, 3 heterozygotes.
Comment: This missense variant replaces glutamic acid with lysine at codon 953 of the MSH6 protein. Computational prediction suggests that this variant may not impact protein structure and function (internally defined REVEL score threshold <= 0.5, PMID: 27666373). Splice site prediction tools suggest that this variant may not impact RNA splicing. To our knowledge, functional studies have not been performed for this variant. This variant has not been reported in individuals affected with hereditary cancer in the literature. This variant has been identified in 4/250312 chromosomes in the general population by the Genome Aggregation Database (gnomAD). The available evidence is insufficient to determine the role of this variant in disease conclusively. Therefore, this variant is classified as a Variant of Uncertain Significance.

This study involves interpretation of variants in research participants for the purpose of population health screening. Participant phenotype was not available at the time of variant classification. Additional details can be found in publication PMID: 35346344, PMCID: PMC8962531

Baylor Genetics
Classification: Uncertain significance for Endometrial carcinoma. Last evaluated: 2023-06-26. Review status: criteria provided, single submitter. Criteria: ACMG Guidelines, 2015. Collection method: clinical testing. Allele origin: unknown.

Women's Health and Genetics/Laboratory Corporation of America, LabCorp
Classification: Uncertain significance. Last evaluated: 2022-02-10. Review status: criteria provided, single submitter. Criteria: LabCorp Variant Classification Summary - May 2015. Collection method: clinical testing. Allele origin: germline.
Comment: Variant summary: MSH6 c.2857G>A (p.Glu953Lys) results in a conservative amino acid change located in the DNA mismatch repair protein MutS, core domain (IPR007696) of the encoded protein sequence. Four of five in-silico tools predict a benign effect of the variant on protein function. The variant allele was found at a frequency of 1.6e-05 in 250312 control chromosomes (gnomAD). The available data on variant occurrences in the general population are insufficient to allow any conclusion about variant significance. c.2857G>A has been reported in the literature in an individual affected with breast cancer (Dorling_2021). This report does not provide unequivocal conclusions about association of the variant with Hereditary Nonpolyposis Colorectal Cancer. To our knowledge, no experimental evidence demonstrating an impact on protein function has been reported. One ClinVar submitter (evaluation after 2014) cites the variant as likely benign reporting evidence of co-occurence with a mutation in another gene that clearly explains a proband's phenotype (SCV000273243.5), while three other ClinVar submitters (evaluation after 2014) cite it as uncertain significance. Based on the evidence outlined above, the variant was classified as uncertain significance.

Ambry Genetics
Classification: Likely benign for Hereditary cancer-predisposing syndrome. Last evaluated: 2018-11-06. Review status: criteria provided, single submitter. Criteria: Ambry Variant Classification Scheme 2023. Collection method: clinical testing. Allele origin: germline.

Department of Pathology and Laboratory Medicine, Sinai Health System
Classification: Uncertain significance for Malignant tumor of breast. Review status: no assertion criteria provided. Collection method: clinical testing. Allele origin: unknown. Affected: yes. Study: The Canadian Open Genetics Repository (COGR). Not counted in ClinVar's aggregate classification.
Comment: The MSH6 p.Glu953Lys variant was not identified in the literature nor was it identified in the UMD-LSDB database. The variant was identified in dbSNP (rs753034685) as â€šÃ„Ãºwith uncertain significance alleleâ€šÃ„Ã¹ and ClinVar (interpreted as "uncertain significance" by Invitae and 2 others and "likely benign" by Ambry Genetics). The variant was identified in control databases in 4 of 245,082 chromosomes at a frequency of 0.00002 (Genome Aggregation Database Feb 27, 2017). The variant was observed in the following populations: Other in 1 of 5452 chromosomes (freq: 0.0002), East Asian in 3 of 17,216 chromosomes (freq: 0.0002), but was not observed in the African, Latino, European, Ashkenazi Jewish, Finnish, and South Asian populations. The p.Glu953 residue is conserved in mammals but not in more distantly related organisms however four out of five computational analyses (PolyPhen-2, SIFT, AlignGVGD, BLOSUM, MutationTaster) do not suggest a high likelihood of impact to the protein; this information is not predictive enough to rule out pathogenicity. The variant occurs outside of the splicing consensus sequence and in silico or computational prediction software programs (SpliceSiteFinder, MaxEntScan, NNSPLICE, GeneSplicer) do not predict a difference in splicing. In summary, based on the above information the clinical significance of this variant cannot be determined with certainty at this time. This variant is classified as a variant of uncertain significance.

Literature cited by the submitters: PubMed 33471991 (cited by Quest Diagnostics Nichols Institute San Juan Capistrano and Women's Health and Genetics/Laboratory Corporation of America, LabCorp); PubMed 27363726 (cited by Myriad Genetics, Inc.).